The following is an entry in ClinVar:

ClinVar aggregate classification (germline): Pathogenic/Likely pathogenic. Review status: criteria provided, multiple submitters, no conflicts (2 of 4 stars). 4 submissions from 4 submitters: Pathogenic (2); Likely pathogenic (2). Last evaluated 2024-10-04.

Conditions:
Hereditary spastic paraplegia 3A (SPG3A). Also called: SPASTIC PARAPLEGIA 3, AUTOSOMAL DOMINANT; FAMILIAL SPASTIC PARAPLEGIA, AUTOSOMAL DOMINANT, 1; SPG3; STRUMPELL DISEASE; Spastic Paraplegia 3A; Spastic paraplegia 3A, autosomal dominant. Identifiers: Orphanet 100984, MedGen C2931355, MONDO:0008437, OMIM 182600.
Hereditary spastic paraplegia. Also called: Familial spastic paraparesis. Identifiers: Orphanet 685, MedGen C0037773, MONDO:0019064. Disease mechanism: loss of function.

Submissions (4):

GeneDx
Classification: Pathogenic. Last evaluated: 2024-10-04. Review status: criteria provided, single submitter. Criteria: GeneDx Variant Classification Process June 2021. Collection method: clinical testing. Allele origin: germline. Affected: yes.
Comment: Identified in an individual with hereditary spastic paraplegia in published literature (PMID: 27957547); Not observed at significant frequency in large population cohorts (gnomAD); In-frame deletion of 1 amino acid(s) in a non-repeat region; In silico analysis supports a deleterious effect on protein structure/function; This variant is associated with the following publications: (PMID: 35925862, 35872528, 33177673, 33098801, 27957547, 23334294)

Labcorp Genetics (formerly Invitae), Labcorp
Classification: Pathogenic for Hereditary spastic paraplegia 3A. Last evaluated: 2023-11-27. Review status: criteria provided, single submitter. Criteria: Invitae Variant Classification Sherloc (09022015). Collection method: clinical testing. Allele origin: germline.
Comment: This variant, c.1220_1222del, results in the deletion of 1 amino acid(s) of the ATL1 protein (p.Lys407del), but otherwise preserves the integrity of the reading frame. This variant is not present in population databases (gnomAD no frequency). This variant has been observed in individual(s) with autosomal dominant hereditary spastic paraplegia and/or dystonia (PMID: 27957547, 33098801, 35925862; Invitae). In at least one individual the variant was observed to be de novo. ClinVar contains an entry for this variant (Variation ID: 807547). For these reasons, this variant has been classified as Pathogenic.

Institute of Human Genetics Munich, TUM University Hospital
Classification: Likely pathogenic for Hereditary spastic paraplegia 3A. Last evaluated: 2018-06-21. Review status: criteria provided, single submitter. Criteria: Classification criteria August 2017. Collection method: clinical testing. Allele origin: de novo. Inheritance: Autosomal dominant inheritance. Affected: yes. Observed: 1 heterozygote.

Genome Diagnostics Laboratory, The Hospital for Sick Children
Classification: Likely pathogenic for Hereditary spastic paraplegia. Last evaluated: 2016-12-12. Review status: criteria provided, single submitter. Criteria: ACMG Guidelines, 2015. Collection method: clinical testing. Allele origin: germline. Affected: yes.

Literature cited by the submitters: PubMed 27957547 (cited by Labcorp Genetics (formerly Invitae), Labcorp); PubMed 33098801 (cited by Labcorp Genetics (formerly Invitae), Labcorp); PubMed 35925862 (cited by Labcorp Genetics (formerly Invitae), Labcorp).

NM_015915.5(ATL1):c.1217AGA[1] (p.Lys407del)

Gene: ATL1 (atlastin GTPase 1; plus strand). Cytogenetic location: 14q22.1.
Variant type: Microsatellite.
Coding change: c.1217AGA[1] on transcript NM_015915.5 (MANE Select); one copy of the 3-base unit AGA starting at c.1217; the reference has two copies in a row; one copy, 3 bases deleted.
Protein change: p.Lys407del; deletes lysine 407.
Molecular consequence: inframe deletion.
Genome position (GRCh38, 1-based): chr14:50,628,131-50,628,133, AGA deleted; deleting any 3 consecutive bases within chr14:50,628,126-50,628,133 gives the same sequence; the position shown is the placement nearest the transcript's 3' end. VCF-style (leftmost placement, unchanged base first): chr14-50628125-TGAA-T. GRCh37 (hg19) VCF-style: chr14-51094843-TGAA-T.
Other names: c.1217AGA[1], p.Lys407del (NM_001127713.1, NM_181598.4); c.1215_1217delGAA (NM_015915.4); short protein forms K407del.
Identifiers: ClinVar variation 807547 (VCV000807547.13), dbSNP rs1595625099, ClinGen allele CA915948942.
Genomic context (GRCh38, chr14:50,628,125, plus strand): 5'-ATGACTTGCAGACCAAACACCTGCAACTTAAGGAAGAATCTGTGAAGCTATTCCGAGGGG[TGAA>T]GAAGATGGGTGGGGAAGAATTTAGCCGGCGTTACCTGCAGCAGTTGGAGAGTGAAATAGA-3'